The following is an entry in ClinVar:

ClinVar aggregate classification (germline): Likely pathogenic (1 of 4 stars; one submission).

Allele frequency attached by ClinVar (database versions not stated): gnomAD exomes below 0.00001; gnomAD 0.00001; TOPMed 0.00001.

Submission:

GeneDx
Classification: Likely pathogenic. Last evaluated: 2022-02-16. Review status: criteria provided, single submitter. Criteria: GeneDx Variant Classification Process June 2021. Collection method: clinical testing. Allele origin: germline. Affected: yes.
Comment: Frameshift variant predicted to result in protein truncation or nonsense mediated decay in a gene for which loss-of-function is a known mechanism of disease; Not observed at significant frequency in large population cohorts (gnomAD); Has not been previously published as pathogenic or benign to our knowledge

NM_020117.11(LARS1):c.2889del (p.Asn963fs)

Gene: LARS1 (leucyl-tRNA synthetase 1; minus strand). Cytogenetic location: 5q32.
Variant type: Deletion.
Coding change: c.2889del on transcript NM_020117.11 (MANE Select); coding-DNA position 2889, one base deleted (C; older notation c.2889delC).
Protein change: p.Asn963fs; shifts the reading frame from asparagine 963.
Molecular consequence: frameshift variant.
Genome position (GRCh38, 1-based): chr5:146,126,537, G deleted on the plus strand (C on the coding strand, the reverse complement: LARS1 is on the minus strand). VCF-style (leftmost placement, unchanged base first): chr5-146126536-CG-C. GRCh37 (hg19) VCF-style: chr5-145506099-CG-C.
Other names: c.2751del, p.Asn917fs (NM_001317964.2); c.2727del, p.Asn909fs (NM_001317965.2); c.2808del, p.Asn936fs (NM_016460.4); short protein forms N909fs, N917fs, N936fs, N963fs.
Identifiers: ClinVar variation 1702695 (VCV001702695.2), dbSNP rs1473633538, ClinGen allele CA805223194.
Genomic context (GRCh38, chr5:146,126,536, plus strand): 5'-TCTTCAGTTCTGGCATACTGCCTAGTTCACTAGCAATGACTTTGTTGTCAGGCAGTTTTC[CG>C]TTATTGGCCTAAGAAAAGGAAGGAGGGAGAGTAATGTAGAAAAAAAAGTCTCAAGAATAA-3'